The following is an entry in ClinVar:

NM_016169.4(SUFU):c.733T>G (p.Phe245Val)

Gene: SUFU (SUFU negative regulator of hedgehog signaling; plus strand). Cytogenetic location: 10q24.32.
Variant type: single nucleotide variant.
Coding change: c.733T>G on transcript NM_016169.4 (MANE Select); coding-DNA position 733, T replaced by G.
Protein change: p.Phe245Val; replaces phenylalanine 245 with valine.
Molecular consequence: missense variant.
Genome position (GRCh38, 1-based): chr10:102,594,042, T>G. VCF-style: chr10-102594042-T-G. GRCh37 (hg19) VCF-style: chr10-104353799-T-G.
Other names: c.733T>G, p.Phe245Val (NM_001178133.2); short protein forms F245V.
Identifiers: ClinVar variation 2562342 (VCV002562342.2), dbSNP rs1337281398, ClinGen allele CA377909867.

ClinVar aggregate classification (germline): Uncertain significance (1 of 4 stars; one submission).

Conditions:
Hereditary cancer-predisposing syndrome. Also called: Neoplastic Syndromes, Hereditary; Hereditary Cancer Syndrome; Hereditary neoplastic syndrome; Tumor predisposition. Identifiers: Orphanet 140162, MedGen C0027672, MeSH D009386, MONDO:0015356.

Submission:

Ambry Genetics
Classification: Uncertain significance for Hereditary cancer-predisposing syndrome. Last evaluated: 2023-04-06. Review status: criteria provided, single submitter. Criteria: Ambry Variant Classification Scheme 2023. Collection method: clinical testing. Allele origin: germline.
Comment: The p.F245V variant (also known as c.733T>G), located in coding exon 6 of the SUFU gene, results from a T to G substitution at nucleotide position 733. The phenylalanine at codon 245 is replaced by valine, an amino acid with highly similar properties. This amino acid position is conserved. In addition, this alteration is predicted to be deleterious by in silico analysis. Since supporting evidence is limited at this time, the clinical significance of this alteration remains unclear.